The following is an entry in ClinVar:

NM_138477.4(CDAN1):c.2062C>T (p.Arg688Trp)

Gene: CDAN1 (codanin 1; minus strand). Cytogenetic location: 15q15.2.
Variant type: single nucleotide variant.
Coding change: c.2062C>T on transcript NM_138477.4 (MANE Select); coding-DNA position 2062, C replaced by T.
Protein change: p.Arg688Trp; replaces arginine 688 with tryptophan.
Molecular consequence: missense variant.
Genome position (GRCh38, 1-based): chr15:42,730,710, G>A on the plus strand (C>T on the coding strand, the complement: CDAN1 is on the minus strand). VCF-style: chr15-42730710-G-A. GRCh37 (hg19) VCF-style: chr15-43022908-G-A.
Other names: c.2062C>T (NM_138477.2); short protein forms R688W.
Identifiers: ClinVar variation 2439837 (VCV002439837.5), dbSNP rs772828912, ClinGen allele CA7515830.
Genomic context (GRCh38, chr15:42,730,710, plus strand): 5'-GAACAACATGGTCAGCAAAGGAGAGAAACTCCACCAGCCAGGGCACGGTGAGCACCGCCC[G>A]GCGGGCCTGCAGCCCTCGCTGCAGCAGAGTCCGCACATCCAGGACCGGAGGGACCTGGGA-3'
Protein context (NP_612486.2, residues 678-698): TLLQRGLQAR[Arg688Trp]AVLTVPWLVE

ClinVar aggregate classification (germline): Conflicting classifications of pathogenicity. Review status: criteria provided, conflicting classifications (1 of 4 stars). 3 submissions from 3 submitters: Likely pathogenic (2); Uncertain significance (1). Last evaluated 2024-01-16.

Conditions:
Anemia, congenital dyserythropoietic, type 1a (CDAN1A). Also called: DYSERYTHROPOIETIC ANEMIA, CONGENITAL, TYPE Ia; CDAN1-Related Congenital Dyserythropoietic Anemia. Identifiers: MedGen C5574667, MONDO:0009135, OMIM 224120.

Allele frequency attached by ClinVar (database versions not stated): gnomAD exomes 0.00001; ExAC 0.00002; TOPMed 0.00002.

Submissions (3):

Fulgent Genetics
Classification: Likely pathogenic for Anemia, congenital dyserythropoietic, type 1a. Last evaluated: 2024-01-16. Review status: criteria provided, single submitter. Criteria: ACMG Guidelines, 2015. Collection method: clinical testing. Allele origin: germline.

Revvity Omics, Revvity
Classification: Uncertain significance for Anemia, congenital dyserythropoietic, type 1a. Last evaluated: 2022-12-05. Review status: criteria provided, single submitter. Criteria: ACMG Guidelines, 2015. Collection method: clinical testing. Allele origin: germline.

Rady Children's Institute for Genomic Medicine, Rady Children's Hospital San Diego
Classification: Likely pathogenic for ANEMIA, CONGENITAL DYSERYTHROPOIETIC, TYPE Ia. Review status: criteria provided, single submitter. Criteria: ACMG Guidelines, 2015. Collection method: clinical testing. Allele origin: germline. Affected: yes.
Comment: This variant has been previously reported in the compound heterozygous state in an individual with Congenital Dyserythropoietic Anemia Type Ia (variant is referred to as c.2067C>T; p.Arg687Trp) reported to have a severe manifestation of the disease that included severe neonatal onset anemia and bone abnormalities (PMID: 16098079). It is present in the heterozygous state in the gnomAD population database at a frequency of 0.0008% (2/246074) and thus is presumed to be rare. The c.2062C>T (p.Arg688Trp) variant affects a highly conserved amino acid and is predicted by multiple in silico tools to have a deleterious effect on protein function. Based on the available evidence, the c.2062C>T (p.Arg688Trp) variant is classified as Likely Pathogenic.